The following is an entry in ClinVar:

NM_001365951.3(KIF1B):c.4713C>G (p.Ile1571Met)

Gene: KIF1B (kinesin family member 1B; plus strand). Cytogenetic location: 1p36.22.
Variant type: single nucleotide variant.
Coding change: c.4713C>G on transcript NM_001365951.3 (MANE Select); coding-DNA position 4713, C replaced by G.
Protein change: p.Ile1571Met; replaces isoleucine 1571 with methionine.
Molecular consequence: missense variant.
Genome position (GRCh38, 1-based): chr1:10,365,609, C>G. VCF-style: chr1-10365609-C-G. GRCh37 (hg19) VCF-style: chr1-10425667-C-G.
Other names: c.4713C>G, p.Ile1571Met (NM_001365952.1); c.4575C>G, p.Ile1525Met (NM_015074.3); short protein forms I1525M, I1571M.
Identifiers: ClinVar variation 3533901 (VCV003533901.1).

ClinVar aggregate classification (germline): Uncertain significance (1 of 4 stars; one submission).

gnomAD v4.1: 1 of 1,614,116 alleles (0.000062%); highest among the groups gnomAD compares: Non-Finnish European, 0.000085%; no homozygotes.

Submission:

Ambry Genetics
Classification: Uncertain significance. Last evaluated: 2024-11-05. Review status: criteria provided, single submitter. Criteria: Ambry Variant Classification Scheme 2023. Collection method: clinical testing. Allele origin: germline.
Comment: The p.I1525M variant (also known as c.4575C>G), located in coding exon 40 of the KIF1B gene, results from a C to G substitution at nucleotide position 4575. The isoleucine at codon 1525 is replaced by methionine, an amino acid with highly similar properties. This amino acid position is well conserved in available vertebrate species. In addition, this alteration is predicted to be tolerated by in silico analysis. The evidence for this gene-disease relationship is limited; therefore, the clinical significance of this alteration is unclear.